The following is an entry in ClinVar:

ClinVar aggregate classification (germline): Pathogenic (1 of 4 stars; one submission).

Submission:

GeneDx
Classification: Pathogenic. Last evaluated: 2018-03-02. Review status: criteria provided, single submitter. Criteria: GeneDx Variant Classification (06012015). Collection method: clinical testing. Allele origin: germline. Affected: yes.
Comment: The c.1272_1273delGGinsC variant in the DARS2 gene has been reported previously in an affected individual with leukoencephalopathy with brain stem and spinal cord involvement and lactate elevation who was heterozygous for the c.1272_1273delGGinsC variant and a second DARS2 variant (Scheper et al., 2007). The c.1272_1273delGGinsC variant causes a frameshift starting with codon Glutamic acid 425, changes this amino acid to an Asparagine residue, and creates a premature Stop codon at position 2 of the new reading frame, denoted p.Glu425AsnfsX2. This variant is predicted to cause loss of normal protein function either through protein truncation or nonsense-mediated mRNA decay. The c.1272_1273delGGinsC variant is not observed in large population cohorts (Lek et al., 2016). We interpret c.1272_1273delGGinsC as a as a pathogenic variant.

NM_018122.5(DARS2):c.1272_1273delinsC (p.Glu425fs)

Gene: DARS2 (aspartyl-tRNA synthetase 2, mitochondrial; plus strand). Cytogenetic location: 1q25.1.
Variant type: Indel.
Coding change: c.1272_1273delinsC on transcript NM_018122.5 (MANE Select); coding-DNA positions 1272 to 1273, GG replaced by C.
Protein change: p.Glu425fs; shifts the reading frame from glutamic acid 425.
Molecular consequence: frameshift variant. On other transcripts: intron variant (1).
Genome position (GRCh38, 1-based): chr1:173,850,407-173,850,408, GG replaced by C. VCF-style: chr1-173850407-GG-C. GRCh37 (hg19) VCF-style: chr1-173819545-GG-C.
Other names: c.1272_1273delinsC, p.Glu425fs (NM_001365213.2); c.1192-2942_1192-2941delinsC (NM_001365212.1); short protein forms E425fs.
Identifiers: ClinVar variation 503692 (VCV000503692.2), dbSNP rs1553204327, ClinGen allele CA658795567.
Genomic context (GRCh38, chr1:173,850,407, plus strand): 5'-TAACGCCAATAGAAACTGGAATTCTCCAGTTGCTAATTTCATAATGGAGTCACAAAGACT[GG>C]AATTAATCAGACTAATGGAGACCCAAGAGGAAGATGTGGTCCTACTAACTGCTGGAGAGC-3'